The following is an entry in ClinVar:

ClinVar aggregate classification (germline): Uncertain significance (1 of 4 stars; one submission).

Conditions:
Inborn genetic diseases. Identifiers: MedGen C0950123, MeSH D030342.

Submission:

Ambry Genetics
Classification: Uncertain significance for Inborn genetic diseases. Last evaluated: 2025-05-21. Review status: criteria provided, single submitter. Criteria: Ambry Variant Classification Scheme 2023. Collection method: clinical testing. Allele origin: germline.
Comment: The p.C660S variant (also known as c.1978T>A), located in coding exon 1 of the SAMD9 gene, results from a T to A substitution at nucleotide position 1978. The cysteine at codon 660 is replaced by serine, an amino acid with dissimilar properties. This amino acid position is conserved. In addition, the in silico prediction for this alteration is inconclusive. Based on the available evidence, the clinical significance of this variant remains unclear.

NM_017654.4(SAMD9):c.1978T>A (p.Cys660Ser)

Gene: SAMD9 (sterile alpha motif domain containing 9; minus strand). Cytogenetic location: 7q21.2.
Variant type: single nucleotide variant.
Coding change: c.1978T>A on transcript NM_017654.4 (MANE Select); coding-DNA position 1978, T replaced by A.
Protein change: p.Cys660Ser; replaces cysteine 660 with serine.
Molecular consequence: missense variant.
Genome position (GRCh38, 1-based): chr7:93,104,120, A>T on the plus strand (T>A on the coding strand, the complement: SAMD9 is on the minus strand). VCF-style: chr7-93104120-A-T. GRCh37 (hg19) VCF-style: chr7-92733433-A-T.
Other names: c.1978T>A, p.Cys660Ser (NM_001193307.2); short protein forms C660S.
Identifiers: ClinVar variation 3949654 (VCV003949654.1).